The following is an entry in ClinVar:

NM_181332.3(NLGN4X):c.341T>C (p.Leu114Pro)

Gene: NLGN4X (neuroligin 4 X-linked; minus strand). Cytogenetic location: Xp22.31.
Variant type: single nucleotide variant.
Coding change: c.341T>C on transcript NM_181332.3 (MANE Select); coding-DNA position 341, T replaced by C.
Protein change: p.Leu114Pro; replaces leucine 114 with proline.
Molecular consequence: missense variant.
Genome position (GRCh38, 1-based): chrX:6,151,126, A>G on the plus strand (T>C on the coding strand, the complement: NLGN4X is on the minus strand). VCF-style: chrX-6151126-A-G. GRCh37 (hg19) VCF-style: chrX-6069167-A-G.
Other names: c.341T>C, p.Leu114Pro (NM_001282145.2, NM_001282146.2, NM_020742.4); short protein forms L114P.
Identifiers: ClinVar variation 2579823 (VCV002579823.2), dbSNP rs2519421291, ClinGen allele CA412014953.

ClinVar aggregate classification (germline): Uncertain significance (1 of 4 stars; one submission).

Submission:

GeneDx
Classification: Uncertain significance. Last evaluated: 2024-06-28. Review status: criteria provided, single submitter. Criteria: GeneDx Variant Classification Process June 2021. Collection method: clinical testing. Allele origin: germline.
Comment: Not observed at significant frequency in large population cohorts (gnomAD); In silico analysis supports that this missense variant has a deleterious effect on protein structure/function; Has not been previously published as pathogenic or benign to our knowledge